The following is an entry in ClinVar:

NM_170606.3(KMT2C):c.12774+6A>G

Gene: KMT2C (lysine methyltransferase 2C; minus strand). Cytogenetic location: 7q36.1.
Variant type: single nucleotide variant.
Coding change: c.12774+6A>G on transcript NM_170606.3 (MANE Select); 6 bases into the intron after coding-DNA position 12774, A replaced by G.
Molecular consequence: intron variant.
Genome position (GRCh38, 1-based): chr7:152,150,894, T>C on the plus strand (A>G on the coding strand, the complement: KMT2C is on the minus strand). VCF-style: chr7-152150894-T-C. GRCh37 (hg19) VCF-style: chr7-151847979-T-C.
Identifiers: ClinVar variation 2876367 (VCV002876367.3), dbSNP rs569013304, ClinGen allele CA4578732.
Genomic context (GRCh38, chr7:152,150,894, plus strand): 5'-CATATGCCCAGAACACAGAAGTCACTCGTTACACATTGTTATCAGCTGAGATTATCCTAA[T>C]CTCACCTTGTTTTCTGAGTTTTTCGCTTGTGCAGTTGATGAATAAAGAATAAAGCAGTTA-3'

ClinVar aggregate classification (germline): Uncertain significance (1 of 4 stars; one submission).

Allele frequency attached by ClinVar (database versions not stated): TOPMed below 0.00001; gnomAD exomes 0.00001; ExAC 0.00002; gnomAD 0.00003; 1000 Genomes Project 30x 0.00016; 1000 Genomes Project 0.00020.
gnomAD v4.1: 25 of 1,577,772 alleles (0.0016%); highest among the groups gnomAD compares: South Asian, 0.024%; 1 homozygote.

Submission:

Labcorp Genetics (formerly Invitae), Labcorp
Classification: Uncertain significance. Last evaluated: 2023-05-27. Review status: criteria provided, single submitter. Criteria: Invitae Variant Classification Sherloc (09022015). Collection method: clinical testing. Allele origin: germline.
Comment: In summary, the available evidence is currently insufficient to determine the role of this variant in disease. Therefore, it has been classified as a Variant of Uncertain Significance. Variants that disrupt the consensus splice site are a relatively common cause of aberrant splicing (PMID: 17576681, 9536098). Algorithms developed to predict the effect of sequence changes on RNA splicing suggest that this variant is not likely to affect RNA splicing. This variant has not been reported in the literature in individuals affected with KMT2C-related conditions. This variant is present in population databases (rs569013304, gnomAD 0.03%), including at least one homozygous and/or hemizygous individual. This sequence change falls in intron 51 of the KMT2C gene. It does not directly change the encoded amino acid sequence of the KMT2C protein. It affects a nucleotide within the consensus splice site.

Literature cited by the submitters: PubMed 17576681; PubMed 9536098.